The following is an entry in ClinVar:

NM_024079.5(ALG8):c.554A>G (p.His185Arg)

Gene: ALG8 (ALG8 alpha-1,3-glucosyltransferase; minus strand). Cytogenetic location: 11q14.1.
Variant type: single nucleotide variant.
Coding change: c.554A>G on transcript NM_024079.5 (MANE Select); coding-DNA position 554, A replaced by G.
Protein change: p.His185Arg; replaces histidine 185 with arginine.
Molecular consequence: missense variant.
Genome position (GRCh38, 1-based): chr11:78,114,385, T>C on the plus strand (A>G on the coding strand, the complement: ALG8 is on the minus strand). VCF-style: chr11-78114385-T-C. GRCh37 (hg19) VCF-style: chr11-77825431-T-C.
Other names: c.554A>G, p.His185Arg (NM_001007027.3, NM_001425221.1, NM_001425222.1 and 11 more transcripts); c.557A>G, p.His186Arg (NM_001425219.1); c.539A>G, p.His180Arg (NM_001425220.1); c.647A>G, p.His216Arg (NM_001425224.1); c.401A>G, p.His134Arg (NM_001425226.1, NM_001425235.1, NM_001425236.1); c.353A>G, p.His118Arg (NM_001425231.1); c.290A>G, p.His97Arg (NM_001425234.1, NM_001425239.1); c.38A>G, p.His13Arg (NM_001425241.1); and 1 more; short protein forms H13R, H97R, H134R, H216R, H180R, H185R, H186R, H118R.
Identifiers: ClinVar variation 2964438 (VCV002964438.3), dbSNP rs1347574916, ClinGen allele CA382117294.

ClinVar aggregate classification (germline): Uncertain significance (1 of 4 stars; one submission).

Conditions:
ALG8 congenital disorder of glycosylation. Also called: CDG Ih; ALG8-CDG; CONGENITAL DISORDER OF GLYCOSYLATION, TYPE Ih. Identifiers: Orphanet 79325, MedGen C2931002, MONDO:0011969, OMIM 608104.

Allele frequency attached by ClinVar (database versions not stated): gnomAD exomes below 0.00001.
gnomAD v4.1: 5 of 1,614,002 alleles (0.00031%); highest among the groups gnomAD compares: African/African-American, 0.004%; no homozygotes.

Submission:

Labcorp Genetics (formerly Invitae), Labcorp
Classification: Uncertain significance for ALG8 congenital disorder of glycosylation. Last evaluated: 2022-11-03. Review status: criteria provided, single submitter. Criteria: Invitae Variant Classification Sherloc (09022015). Collection method: clinical testing. Allele origin: germline.
Comment: In summary, the available evidence is currently insufficient to determine the role of this variant in disease. Therefore, it has been classified as a Variant of Uncertain Significance. Algorithms developed to predict the effect of sequence changes on RNA splicing suggest that this variant may create or strengthen a splice site. Advanced modeling of protein sequence and biophysical properties (such as structural, functional, and spatial information, amino acid conservation, physicochemical variation, residue mobility, and thermodynamic stability) performed at Invitae indicates that this missense variant is not expected to disrupt ALG8 protein function. This variant has not been reported in the literature in individuals affected with ALG8-related conditions. This variant is present in population databases (no rsID available, gnomAD 0.003%). This sequence change replaces histidine, which is basic and polar, with arginine, which is basic and polar, at codon 185 of the ALG8 protein (p.His185Arg).